The following is an entry in ClinVar:

ClinVar aggregate classification (germline): Conflicting classifications of pathogenicity. Review status: criteria provided, conflicting classifications (1 of 4 stars). 3 submissions from 3 submitters: Uncertain significance (2); Likely benign (1). Last evaluated 2023-03-23.

Conditions:
Hereditary cancer-predisposing syndrome. Also called: Tumor predisposition; Hereditary neoplastic syndrome; Neoplastic Syndromes, Hereditary; Hereditary Cancer Syndrome. Identifiers: Orphanet 140162, MedGen C0027672, MeSH D009386, MONDO:0015356.
Hereditary breast ovarian cancer syndrome. Also called: Hereditary breast and ovarian cancer; Hereditary breast and ovarian cancer syndrome; Hereditary breast and/or ovarian cancer syndrome; Hereditary breast and ovarian cancer syndrome (HBOC); Breast and ovarian cancer; BRCA1- and BRCA2-Associated Hereditary Breast and Ovarian Cancer. Identifiers: Orphanet 145, MedGen C0677776, MeSH D061325, MONDO:0003582. Disease mechanism: loss of function.

Submissions (3):

University of Washington Department of Laboratory Medicine, University of Washington
Classification: Likely benign for Hereditary cancer-predisposing syndrome. Last evaluated: 2023-03-23. Review status: criteria provided, single submitter. Criteria: Dines et al. (Genet Med. 2020). Collection method: curation. Allele origin: germline.
Comment: Missense variant in a coldspot region where missense variants are very unlikely to be pathogenic (PMID:31911673).

BRCA2 exon 11 coldspot. Reclassification based on statistical prior probability.

Ambry Genetics
Classification: Uncertain significance for Hereditary cancer-predisposing syndrome. Last evaluated: 2023-03-19. Review status: criteria provided, single submitter. Criteria: Ambry Variant Classification Scheme 2023. Collection method: clinical testing. Allele origin: germline.
Comment: The p.S1001A variant (also known as c.3001T>G), located in coding exon 10 of the BRCA2 gene, results from a T to G substitution at nucleotide position 3001. The serine at codon 1001 is replaced by alanine, an amino acid with similar properties. This amino acid position is conserved. In addition, this alteration is predicted to be tolerated by in silico analysis. Since supporting evidence is limited at this time, the clinical significance of this alteration remains unclear.

Labcorp Genetics (formerly Invitae), Labcorp
Classification: Uncertain significance for Hereditary breast ovarian cancer syndrome. Last evaluated: 2021-03-08. Review status: criteria provided, single submitter. Criteria: Invitae Variant Classification Sherloc (09022015). Collection method: clinical testing. Allele origin: germline.
Comment: This sequence change replaces serine with alanine at codon 1001 of the BRCA2 protein (p.Ser1001Ala). The serine residue is weakly conserved and there is a moderate physicochemical difference between serine and alanine. This variant is not present in population databases (ExAC no frequency). This variant has not been reported in the literature in individuals with BRCA2-related conditions. Advanced modeling of protein sequence and biophysical properties (such as structural, functional, and spatial information, amino acid conservation, physicochemical variation, residue mobility, and thermodynamic stability) performed at Invitae indicates that this missense variant is not expected to disrupt BRCA2 protein function. In summary, the available evidence is currently insufficient to determine the role of this variant in disease. Therefore, it has been classified as a Variant of Uncertain Significance.

NM_000059.4(BRCA2):c.3001T>G (p.Ser1001Ala)

Gene: BRCA2 (BRCA2 DNA repair associated; plus strand). Cytogenetic location: 13q13.1.
Variant type: single nucleotide variant.
Coding change: c.3001T>G on transcript NM_000059.4 (MANE Select); coding-DNA position 3001, T replaced by G.
Protein change: p.Ser1001Ala; replaces serine 1001 with alanine.
Molecular consequence: missense variant.
Genome position (GRCh38, 1-based): chr13:32,337,356, T>G. VCF-style: chr13-32337356-T-G. GRCh37 (hg19) VCF-style: chr13-32911493-T-G.
Other names: c.3001T>G (NM_000059.3); short protein forms S1001A.
Identifiers: ClinVar variation 1491071 (VCV001491071.11), dbSNP rs2137492111, ClinGen allele CA387774676.